The following is an entry in ClinVar:

ClinVar aggregate classification (germline): Likely pathogenic (1 of 4 stars; one submission).

Conditions:
Primary ciliary dyskinesia. Also called: Ciliary dyskinesia. Identifiers: Orphanet 244, MedGen C0008780, MONDO:0016575, HP:0012265.

gnomAD v4.1: 7 of 1,613,054 alleles (0.00043%); highest among the groups gnomAD compares: Non-Finnish European, 0.00059%; no homozygotes.

Submission:

Labcorp Genetics (formerly Invitae), Labcorp
Classification: Likely pathogenic for Primary ciliary dyskinesia. Last evaluated: 2023-06-23. Review status: criteria provided, single submitter. Criteria: Invitae Variant Classification Sherloc (09022015). Collection method: clinical testing. Allele origin: germline.
Comment: This missense change has been observed in individual(s) with clinical features of primary ciliary dyskinesia (Invitae). In at least one individual the data is consistent with being in trans (on the opposite chromosome) from a pathogenic variant. In summary, the currently available evidence indicates that the variant is pathogenic, but additional data are needed to prove that conclusively. Therefore, this variant has been classified as Likely Pathogenic. Advanced modeling of protein sequence and biophysical properties (such as structural, functional, and spatial information, amino acid conservation, physicochemical variation, residue mobility, and thermodynamic stability) performed at Invitae indicates that this missense variant is not expected to disrupt DNAH11 protein function. ClinVar contains an entry for this variant (Variation ID: 1063863). This variant is not present in population databases (gnomAD no frequency). This sequence change replaces threonine, which is neutral and polar, with asparagine, which is neutral and polar, at codon 1880 of the DNAH11 protein (p.Thr1880Asn).

NM_001277115.2(DNAH11):c.5639C>A (p.Thr1880Asn)

Gene: DNAH11 (dynein axonemal heavy chain 11; plus strand). Cytogenetic location: 7p15.3.
Variant type: single nucleotide variant.
Coding change: c.5639C>A on transcript NM_001277115.2 (MANE Select); coding-DNA position 5639, C replaced by A.
Protein change: p.Thr1880Asn; replaces threonine 1880 with asparagine.
Molecular consequence: missense variant.
Genome position (GRCh38, 1-based): chr7:21,687,116, C>A. VCF-style: chr7-21687116-C-A. GRCh37 (hg19) VCF-style: chr7-21726734-C-A.
Other names: short protein forms T1880N.
Identifiers: ClinVar variation 1063863 (VCV001063863.9), dbSNP rs1245853002, ClinGen allele CA366949040.
Genomic context (GRCh38, chr7:21,687,116, plus strand): 5'-TCTCATATTAGACTGTGATGTTTGTGTTTTCTATTGCTTAAAGGTGTTATATTACCTTAA[C>A]TCAATCACTTCATCTAACCATGAGTGGGGCTCCTGCTGGCCCAGCTGGTACCGGGAAAAC-3'
Protein context (NP_001264044.1, residues 1870-1890): PLTDRCYITL[Thr1880Asn]QSLHLTMSGA